The following is an entry in ClinVar:

NM_201384.3(PLEC):c.5907_5908inv (p.Ala1970Thr)

Gene: PLEC (plectin; minus strand). Cytogenetic location: 8q24.3.
Variant type: Inversion.
Coding change: c.5907_5908inv on transcript NM_201384.3 (MANE Select).
Protein change: p.Ala1970Thr; replaces alanine 1970 with threonine.
Molecular consequence: missense variant.
Genome position: GRCh38 VCF-style: chr8-143924021-CA-TG. GRCh37 (hg19) VCF-style: chr8-144998189-CA-TG.
Other names: c.5988_5989inv, p.Ala1997Thr (NM_000445.5); c.5865_5866inv, p.Ala1956Thr (NM_201378.4); c.5841_5842inv, p.Ala1948Thr (NM_201379.3); c.6318_6319inv, p.Ala2107Thr (NM_201380.4); c.5811_5812inv, p.Ala1938Thr (NM_201381.3); c.5907_5908inv, p.Ala1970Thr (NM_201382.4); c.5919_5920inv, p.Ala1974Thr (NM_201383.3); short protein forms A1938T, A1997T, A1970T, A1948T, A1956T, A1974T, A2107T.
Identifiers: ClinVar variation 662496 (VCV000662496.4), ClinGen allele CA915948809.

ClinVar aggregate classification (germline): Uncertain significance (1 of 4 stars; one submission).

Conditions:
Epidermolysis bullosa simplex, Ogna type (EBS5A). Also called: Pidermolysis bullosa simplex 5A, Ogna type; EPIDERMOLYSIS BULLOSA SIMPLEX 5A, OGNA TYPE. Identifiers: Orphanet 79401, MedGen C0432317, MONDO:0007555, OMIM 131950.
Autosomal recessive limb-girdle muscular dystrophy type 2Q (LGMDR17). Also called: MUSCULAR DYSTROPHY, LIMB-GIRDLE, AUTOSOMAL RECESSIVE 17. Identifiers: Orphanet 254361, MedGen C3150989, MONDO:0013390, OMIM 613723.
Epidermolysis bullosa simplex with nail dystrophy (EBS5D). Identifiers: MedGen C4225309, MONDO:0014661, OMIM 616487.
Epidermolysis bullosa simplex 5B, with muscular dystrophy (EBS5B). Also called: Epidermolysis bullosa simplex with muscular dystrophy; EPIDERMOLYSIS BULLOSA SIMPLEX AND LIMB-GIRDLE MUSCULAR DYSTROPHY. Identifiers: Orphanet 257, MedGen C2931072, MONDO:0009181, OMIM 226670.
Epidermolysis bullosa simplex 5C, with pyloric atresia (EBS5C). Also called: PLEC-Related Epidermolysis Bullosa with Pyloric Atresia; PLEC1-Related Epidermolysis Bullosa with Pyloric Atresia; Epidermolysis bullosa simplex with pyloric atresia. Identifiers: Orphanet 158684, MedGen C2677349, MONDO:0012807, OMIM 612138.

Submission:

Labcorp Genetics (formerly Invitae), Labcorp
Classification: Uncertain significance for Autosomal recessive limb-girdle muscular dystrophy type 2Q; Epidermolysis bullosa simplex, Ogna type; Epidermolysis bullosa simplex with nail dystrophy; Epidermolysis bullosa simplex 5C, with pyloric atresia; Epidermolysis bullosa simplex 5B, with muscular dystrophy. Last evaluated: 2025-11-24. Review status: criteria provided, single submitter. Criteria: Invitae Variant Classification Sherloc (09022015). Collection method: clinical testing. Allele origin: germline.
Comment: This sequence change replaces alanine, which is neutral and non-polar, with threonine, which is neutral and polar, at codon 1997 of the PLEC protein (p.Ala1997Thr). Information on the frequency of this variant in the gnomAD database is not available, as this variant may be reported differently in the database. This variant has not been reported in the literature in individuals affected with PLEC-related conditions. ClinVar contains an entry for this variant (Variation ID: 662496). Experimental studies and prediction algorithms are not available or were not evaluated, and the functional significance of this variant is currently unknown. In summary, the available evidence is currently insufficient to determine the role of this variant in disease. Therefore, it has been classified as a Variant of Uncertain Significance.